The following is an entry in ClinVar:

NM_000516.7(GNAS):c.134T>G (p.Leu45Arg)

Gene: GNAS (GNAS complex locus; plus strand). Cytogenetic location: 20q13.32.
Variant type: single nucleotide variant.
Coding change: c.134T>G on transcript NM_000516.7 (MANE Select); coding-DNA position 134, T replaced by G.
Protein change: p.Leu45Arg; replaces leucine 45 with arginine.
Molecular consequence: missense variant. On other transcripts: intron variant (11).
Genome position (GRCh38, 1-based): chr20:58,891,860, T>G. VCF-style: chr20-58891860-T-G. GRCh37 (hg19) VCF-style: chr20-57466915-T-G.
Other names: c.134T>G, p.Leu45Arg (NM_001077488.5, NM_001077489.4, NM_001309842.2 and 1 more transcripts); c.*43-3752T>G (NM_016592.5); c.44-3752T>G (NM_001410912.1); c.-38-3752T>G (NM_001309861.2); c.*1-3752T>G (NM_001077490.3); c.2069-3752T>G (NM_080425.4, NM_001410913.1); c.*159-3752T>G (NM_001309883.1); c.-39+2507T>G (NM_001438273.1, NM_001309840.2); and 1 more; short protein forms L45R.
Identifiers: ClinVar variation 4745560 (VCV004745560.1).

ClinVar aggregate classification (germline): Uncertain significance (1 of 4 stars; one submission).

Submission:

Labcorp Genetics (formerly Invitae), Labcorp
Classification: Uncertain significance. Last evaluated: 2025-06-15. Review status: criteria provided, single submitter. Criteria: Invitae Variant Classification Sherloc (09022015). Collection method: clinical testing. Allele origin: germline.
Comment: This sequence change replaces leucine, which is neutral and non-polar, with arginine, which is basic and polar, at codon 45 of the GNAS protein (p.Leu45Arg). This variant is not present in population databases (gnomAD no frequency). This variant has not been reported in the literature in individuals affected with GNAS-related conditions. Invitae Evidence Modeling of protein sequence and biophysical properties (such as structural, functional, and spatial information, amino acid conservation, physicochemical variation, residue mobility, and thermodynamic stability) indicates that this missense variant is expected to disrupt GNAS protein function with a positive predictive value of 80%. In summary, the available evidence is currently insufficient to determine the role of this variant in disease. Therefore, it has been classified as a Variant of Uncertain Significance.